The following is an entry in ClinVar:

ClinVar aggregate classification (germline): Uncertain significance (1 of 4 stars; one submission).

Allele frequency attached by ClinVar (database versions not stated): gnomAD 0.00001; TOPMed 0.00001.
gnomAD v4.1: 11 of 1,613,998 alleles (0.00068%); highest among the groups gnomAD compares: Middle Eastern, 0.016%; no homozygotes.

Submission:

Labcorp Genetics (formerly Invitae), Labcorp
Classification: Uncertain significance. Last evaluated: 2022-02-14. Review status: criteria provided, single submitter. Criteria: Invitae Variant Classification Sherloc (09022015). Collection method: clinical testing. Allele origin: germline.
Comment: This sequence change replaces isoleucine, which is neutral and non-polar, with valine, which is neutral and non-polar, at codon 519 of the CNOT1 protein (p.Ile519Val). In summary, the available evidence is currently insufficient to determine the role of this variant in disease. Therefore, it has been classified as a Variant of Uncertain Significance. Algorithms developed to predict the effect of missense changes on protein structure and function (SIFT, PolyPhen-2, Align-GVGD) all suggest that this variant is likely to be tolerated. This variant has not been reported in the literature in individuals affected with CNOT1-related conditions. This variant is not present in population databases (gnomAD no frequency).

NM_016284.5(CNOT1):c.1555A>G (p.Ile519Val)

Gene: CNOT1 (CCR4-NOT transcription complex subunit 1; minus strand). Cytogenetic location: 16q21.
Variant type: single nucleotide variant.
Coding change: c.1555A>G on transcript NM_016284.5 (MANE Select); coding-DNA position 1555, A replaced by G.
Protein change: p.Ile519Val; replaces isoleucine 519 with valine.
Molecular consequence: missense variant. On other transcripts: non-coding transcript variant (1).
Genome position (GRCh38, 1-based): chr16:58,578,728, T>C on the plus strand (A>G on the coding strand, the complement: CNOT1 is on the minus strand). VCF-style: chr16-58578728-T-C. GRCh37 (hg19) VCF-style: chr16-58612632-T-C.
Other names: c.1555A>G, p.Ile519Val (NM_001265612.2, NM_206999.3); short protein forms I519V.
Identifiers: ClinVar variation 2097537 (VCV002097537.4), dbSNP rs773355014, ClinGen allele CA281683021.
Genomic context (GRCh38, chr16:58,578,728, plus strand): 5'-AAAAAATGGTAAGCACACGGTCACATCTTACCTGCCCATGCCATGCATAGTGCAAAATAA[T>C]AGCTGAGTTAGGATGGTTTCCAAGGAAAATTGGCATCAGAGTGGAGATAAGTTCATGGCG-3'
Protein context (NP_057368.3, residues 509-529): IFLGNHPNSA[Ile519Val]ILHYAWHGQG